The following is an entry in ClinVar:

ClinVar aggregate classification (germline): Uncertain significance (1 of 4 stars; one submission).

Conditions:
FLT4-related disorder. Also called: FLT4-related condition.

Allele frequency attached by ClinVar (database versions not stated): gnomAD 0.00001.
gnomAD v4.1: 4 of 1,612,664 alleles (0.00025%); highest among the groups gnomAD compares: African/African-American, 0.0013%; no homozygotes.

Submission:

PreventionGenetics, part of Exact Sciences
Classification: Uncertain significance for FLT4-related condition. Last evaluated: 2023-07-24. Review status: criteria provided, single submitter. Criteria: ACMG Guidelines, 2015. Collection method: clinical testing. Allele origin: germline.
Comment: The FLT4 c.577G>A variant is predicted to result in the amino acid substitution p.Val193Met. To our knowledge, this variant has not been reported in the literature or in a large population database, indicating this variant is rare. At this time, the clinical significance of this variant is uncertain due to the absence of conclusive functional and genetic evidence.

NM_182925.5(FLT4):c.577G>A (p.Val193Met)

Gene: FLT4 (fms related receptor tyrosine kinase 4; minus strand). Cytogenetic location: 5q35.3.
Variant type: single nucleotide variant.
Coding change: c.577G>A on transcript NM_182925.5 (MANE Select); coding-DNA position 577, G replaced by A.
Protein change: p.Val193Met; replaces valine 193 with methionine.
Molecular consequence: missense variant.
Genome position (GRCh38, 1-based): chr5:180,630,042, C>T on the plus strand (G>A on the coding strand, the complement: FLT4 is on the minus strand). VCF-style: chr5-180630042-C-T. GRCh37 (hg19) VCF-style: chr5-180057042-C-T.
Other names: c.577G>A, p.Val193Met (NM_001354989.2, NM_002020.5); short protein forms V193M.
Identifiers: ClinVar variation 2629109 (VCV002629109.1), dbSNP rs778477946, ClinGen allele CA362506313.